The following is an entry in ClinVar:

NM_005677.4(COLQ):c.674G>A (p.Gly225Glu)

Gene: COLQ (collagen like tail subunit of asymmetric acetylcholinesterase; minus strand). Cytogenetic location: 3p25.1.
Variant type: single nucleotide variant.
Coding change: c.674G>A on transcript NM_005677.4 (MANE Select); coding-DNA position 674, G replaced by A.
Protein change: p.Gly225Glu; replaces glycine 225 with glutamic acid.
Molecular consequence: missense variant.
Genome position (GRCh38, 1-based): chr3:15,470,579, C>T on the plus strand (G>A on the coding strand, the complement: COLQ is on the minus strand). VCF-style: chr3-15470579-C-T. GRCh37 (hg19) VCF-style: chr3-15512086-C-T.
Other names: c.644G>A, p.Gly215Glu (NM_080538.2); c.572G>A, p.Gly191Glu (NM_080539.4); short protein forms G215E, G191E, G225E.
Identifiers: ClinVar variation 1409606 (VCV001409606.7), dbSNP rs780362486, ClinGen allele CA2276026.

ClinVar aggregate classification (germline): Uncertain significance (1 of 4 stars; one submission).

Conditions:
Congenital myasthenic syndrome 5. Identifiers: Orphanet 590, MedGen C1864233, MONDO:0011281, OMIM 603034.

gnomAD v4.1: 15 of 1,614,012 alleles (0.00093%); highest among the groups gnomAD compares: Non-Finnish European, 0.0013%; no homozygotes.

Submission:

Labcorp Genetics (formerly Invitae), Labcorp
Classification: Uncertain significance for Congenital myasthenic syndrome 5. Last evaluated: 2021-04-11. Review status: criteria provided, single submitter. Criteria: Invitae Variant Classification Sherloc (09022015). Collection method: clinical testing. Allele origin: germline.
Comment: Algorithms developed to predict the effect of missense changes on protein structure and function are either unavailable or do not agree on the potential impact of this missense change (SIFT: "Deleterious"; PolyPhen-2: "Not Available"; Align-GVGD: "Class C65"). In summary, the available evidence is currently insufficient to determine the role of this variant in disease. Therefore, it has been classified as a Variant of Uncertain Significance. This variant has not been reported in the literature in individuals with COLQ-related conditions. This sequence change replaces glycine with glutamic acid at codon 225 of the COLQ protein (p.Gly225Glu). The glycine residue is highly conserved and there is a moderate physicochemical difference between glycine and glutamic acid. This variant is present in population databases (rs780362486, ExAC 0.001%).